The following is an entry in ClinVar:

Conditions:
Breast-ovarian cancer, familial, susceptibility to, 1 (BROVCA1). Also called: BRCA1 Hereditary Breast and Ovarian Cancer; OVARIAN CANCER, SUSCEPTIBILITY TO. Identifiers: Orphanet 145, MedGen C2676676, MONDO:0011450, OMIM 604370. Disease mechanism: loss of function.

Submission:

Brotman Baty Institute, University of Washington
No classification provided (evidence only). Condition: Breast-ovarian cancer, familial 1. Review status: no classification provided. Collection method: in vitro. Allele origin: not applicable. Functional consequence: functionally_normal.
ClinVar note: "not provided" was previously submitted as the classification for the variant. However, the classification appeared to be based only on an observation of functional data so it was converted to no classification on 2025-07-30.

NM_007294.4(BRCA1):c.293G>C (p.Gly98Ala)

Gene: BRCA1 (BRCA1 DNA repair associated; minus strand). Cytogenetic location: 17q21.31.
Variant type: single nucleotide variant.
Coding change: c.293G>C on transcript NM_007294.4 (MANE Select); coding-DNA position 293, G replaced by C.
Protein change: p.Gly98Ala; replaces glycine 98 with alanine.
Molecular consequence: missense variant. On other transcripts: non-coding transcript variant (1).
Genome position (GRCh38, 1-based): chr17:43,104,876, C>G on the plus strand (G>C on the coding strand, the complement: BRCA1 is on the minus strand). VCF-style: chr17-43104876-C-G. GRCh37 (hg19) VCF-style: chr17-41256893-C-G.
Other names: c.152G>C, p.Gly51Ala (NM_001408465.1, NM_001408466.1, NM_001408467.1 and 99 more transcripts); c.293G>C, p.Gly98Ala (NM_001408472.1, NM_001408473.1, NM_001408494.1 and 165 more transcripts); c.215G>C, p.Gly72Ala (NM_001408474.1, NM_001408475.1, NM_001408476.1 and 21 more transcripts); c.83G>C, p.Gly28Ala (NM_001408478.1, NM_001408479.1, NM_001408480.1 and 58 more transcripts); c.-89G>C (NM_001408510.1, NM_001408512.1, NM_001407959.1 and 4 more transcripts); c.161G>C, p.Gly54Ala (NM_001408451.1); short protein forms G51A, G98A, G72A, G28A, G54A.
Identifiers: ClinVar variation 865642 (VCV000865642.3), dbSNP rs2054671671, ClinGen allele CA10601569.